The following is an entry in ClinVar:

ClinVar aggregate classification (germline): Pathogenic/Likely pathogenic. Review status: criteria provided, multiple submitters, no conflicts (2 of 4 stars). 3 submissions from 3 submitters: Pathogenic (2); Likely pathogenic (1). Last evaluated 2026-03-21.

Conditions:
Inborn genetic diseases. Identifiers: MedGen C0950123, MeSH D030342.

Submissions (3):

GeneDx
Classification: Pathogenic. Last evaluated: 2026-03-21. Review status: criteria provided, single submitter. Criteria: GeneDx Variant Classification Process June 2021. Collection method: clinical testing. Allele origin: germline.
Comment: Reported as a de novo variant in a patient in published literature from a cohort of individuals with developmental disorders; however, detailed clinical information was not provided and de novo variants in other genes were also reported (PMID: 33057194); Frameshift variant predicted to result in protein truncation or nonsense mediated decay in a gene for which loss of function is a known mechanism of disease; Not observed at significant frequency in large population cohorts (gnomAD); This variant is associated with the following publications: (PMID: 33057194, 35982159)

Dasa
Classification: Likely pathogenic. Last evaluated: 2026-03-13. Review status: criteria provided, single submitter. Criteria: DASA Assertion Criteria. Collection method: clinical testing. Allele origin: germline.
Comment: NM_013275.6(ANKRD11):c.4189del (p.Leu1397Trpfs*12) is a frameshift variant in ANKRD11 predicted to alter the reading frame and introduce a premature termination codon and is predicted to result in an absent or altered protein product. Loss of function is an established disease mechanism for ANKRD11 (PMID: 21782149; PMID: 35330407; PMID: 28422132). Also, this variant is rare in population databases. Based on the currently available evidence, this variant is classified as likely pathogenic.

Ambry Genetics
Classification: Pathogenic for Inborn genetic diseases. Last evaluated: 2017-09-30. Review status: criteria provided, single submitter. Criteria: Ambry Variant Classification Scheme 2023. Collection method: clinical testing. Allele origin: germline.
Comment: The c.4189delC pathogenic mutation, located in coding exon 7 of the ANKRD11 gene, results from a deletion of one nucleotide at nucleotide position 4189, causing a translational frameshift with a predicted alternate stop codon (p.L1397Wfs*12). This alteration is expected to result in loss of function by premature protein truncation or nonsense-mediated mRNA decay. As such, this alteration is interpreted as a disease-causing mutation.

Literature cited by the submitters: PubMed 21782149 (cited by Dasa); PubMed 35330407 (cited by Dasa); PubMed 28422132 (cited by Dasa).

NM_013275.6(ANKRD11):c.4189del (p.Leu1397fs)

Gene: ANKRD11 (ankyrin repeat domain 11; minus strand). Cytogenetic location: 16q24.3.
Variant type: Deletion.
Coding change: c.4189del on transcript NM_013275.6 (MANE Select); coding-DNA position 4189, one base deleted (C; older notation c.4189delC).
Protein change: p.Leu1397fs; shifts the reading frame from leucine 1397.
Molecular consequence: frameshift variant.
Genome position (GRCh38, 1-based): chr16:89,282,353, G deleted on the plus strand (C on the coding strand, the reverse complement: ANKRD11 is on the minus strand); the first of 2 consecutive G bases (chr16:89,282,353-89,282,354); deleting either gives the same sequence. VCF-style (leftmost placement, unchanged base first): chr16-89282352-AG-A. GRCh37 (hg19) VCF-style: chr16-89348760-AG-A.
Other names: c.4189del (NM_013275.5); c.4189del, p.Leu1397fs (NM_001256182.2, NM_001256183.2); short protein forms L1397fs.
Identifiers: ClinVar variation 1738547 (VCV001738547.5), dbSNP rs2544233874, ClinGen allele CA2580092270.